The following is an entry in ClinVar:

NC_000009.11:g.(?_6550793)_(6550924_?)dup

Gene: GLDC (glycine decarboxylase; minus strand). Cytogenetic location: 9p24.1.
Variant type: Duplication.
Identifiers: ClinVar variation 1066623 (VCV001066623.2).

ClinVar aggregate classification (germline): Likely pathogenic (1 of 4 stars; one submission).

Conditions:
Glycine encephalopathy. Also called: Nonketotic hyperglycinemia; Non-ketotic hyperglycinemia. Identifiers: Orphanet 407, MedGen C0751748, MONDO:0011612, HP:0008288.

Submission:

Labcorp Genetics (formerly Invitae), Labcorp
Classification: Likely pathogenic for Glycine encephalopathy. Last evaluated: 2022-10-15. Review status: criteria provided, single submitter. Criteria: Invitae Variant Classification Sherloc (09022015). Collection method: clinical testing. Allele origin: germline.
Comment: This variant results in a copy number gain of the genomic region encompassing exon(s) 21 of the GLDC gene. While the exact position of this variant cannot be determined from the data, sub-genic copy number gains are generally in tandem (PMID: 25640679). This variant is predicted to be out-of-frame, and may result in an absent or disrupted protein product. Loss-of-function variants in GLDC are known to be pathogenic (PMID: 16601880). This variant has not been reported in the literature in individuals affected with GLDC-related conditions. In summary, the currently available evidence indicates that the variant is pathogenic, but additional data are needed to prove that conclusively. Therefore, this variant has been classified as Likely Pathogenic.

Literature cited by the submitters: PubMed 25640679; PubMed 16601880.